The following is an entry in ClinVar:

NM_002485.5(NBN):c.746C>A (p.Ala249Asp)

Gene: NBN (nibrin; minus strand). Cytogenetic location: 8q21.3.
Variant type: single nucleotide variant.
Coding change: c.746C>A on transcript NM_002485.5 (MANE Select); coding-DNA position 746, C replaced by A.
Protein change: p.Ala249Asp; replaces alanine 249 with aspartic acid.
Molecular consequence: missense variant.
Genome position (GRCh38, 1-based): chr8:89,970,514, G>T on the plus strand (C>A on the coding strand, the complement: NBN is on the minus strand). VCF-style: chr8-89970514-G-T. GRCh37 (hg19) VCF-style: chr8-90982742-G-T.
Other names: c.500C>A, p.Ala167Asp (NM_001024688.3); short protein forms A167D, A249D.
Identifiers: ClinVar variation 1329768 (VCV001329768.4), dbSNP rs2129830699, ClinGen allele CA371658791.

ClinVar aggregate classification (germline): Uncertain significance. Review status: criteria provided, multiple submitters, no conflicts (2 of 4 stars). 2 submissions from 2 submitters: Uncertain significance (2). Last evaluated 2022-07-19.

Conditions:
Hereditary cancer-predisposing syndrome. Also called: Hereditary Cancer Syndrome; Tumor predisposition; Neoplastic Syndromes, Hereditary; Hereditary neoplastic syndrome. Identifiers: Orphanet 140162, MedGen C0027672, MeSH D009386, MONDO:0015356.

Submissions (2):

Ambry Genetics
Classification: Uncertain significance for Hereditary cancer-predisposing syndrome. Last evaluated: 2022-07-19. Review status: criteria provided, single submitter. Criteria: Ambry Variant Classification Scheme 2023. Collection method: clinical testing. Allele origin: germline.
Comment: The p.A249D variant (also known as c.746C>A), located in coding exon 7 of the NBN gene, results from a C to A substitution at nucleotide position 746. The alanine at codon 249 is replaced by aspartic acid, an amino acid with dissimilar properties. This amino acid position is conserved. In addition, the in silico prediction for this alteration is inconclusive. Since supporting evidence is limited at this time, the clinical significance of this alteration remains unclear.

GeneDx
Classification: Uncertain significance. Last evaluated: 2021-06-25. Review status: criteria provided, single submitter. Criteria: GeneDx Variant Classification Process June 2021. Collection method: clinical testing. Allele origin: germline. Affected: yes.
Comment: Not observed at significant frequency in large population cohorts (Lek 2016); In silico analysis supports that this missense variant has a deleterious effect on protein structure/function; Has not been previously published as pathogenic or benign to our knowledge; This variant is associated with the following publications: (PMID: 27535533, 24894818)